The following is an entry in ClinVar:

NM_000477.7(ALB):c.1785+1G>A

Gene: ALB (albumin; plus strand). Cytogenetic location: 4q13.3.
Variant type: single nucleotide variant.
Coding change: c.1785+1G>A on transcript NM_000477.7 (MANE Select); the canonical splice donor site of the intron after coding-DNA position 1785, G replaced by A.
Molecular consequence: splice donor variant.
Genome position (GRCh38, 1-based): chr4:73,419,640, G>A. VCF-style: chr4-73419640-G-A. GRCh37 (hg19) VCF-style: chr4-74285357-G-A.
Identifiers: ClinVar variation 2967726 (VCV002967726.3), dbSNP rs1800580, ClinGen allele CA357246812.

ClinVar aggregate classification (germline): Uncertain significance (1 of 4 stars; one submission).

Submission:

Labcorp Genetics (formerly Invitae), Labcorp
Classification: Uncertain significance. Last evaluated: 2023-10-05. Review status: criteria provided, single submitter. Criteria: Invitae Variant Classification Sherloc (09022015). Collection method: clinical testing. Allele origin: germline.
Comment: This sequence change affects a donor splice site in intron 13 of the ALB gene. While this variant is not anticipated to result in nonsense mediated decay, it likely alters RNA splicing and results in a disrupted protein product. This variant is not present in population databases (gnomAD no frequency). This variant has not been reported in the literature in individuals affected with ALB-related conditions. Variants that disrupt the consensus splice site are a relatively common cause of aberrant splicing (PMID: 17576681, 9536098). Algorithms developed to predict the effect of sequence changes on RNA splicing suggest that this variant may disrupt the consensus splice site. In summary, the available evidence is currently insufficient to determine the role of this variant in disease. Therefore, it has been classified as a Variant of Uncertain Significance.

Literature cited by the submitters: PubMed 17576681; PubMed 9536098.